The following is an entry in ClinVar:

ClinVar aggregate classification (germline): Pathogenic (1 of 4 stars; one submission).

Conditions:
Parkinsonian-pyramidal syndrome. Also called: PARKINSON DISEASE 15, AUTOSOMAL RECESSIVE EARLY-ONSET; PALLIDOPYRAMIDAL SYNDROME; PARKINSON DISEASE 15, AUTOSOMAL RECESSIVE. Identifiers: Orphanet 171695, MedGen C1850100, MONDO:0009830, OMIM 260300.

Submission:

Labcorp Genetics (formerly Invitae), Labcorp
Classification: Pathogenic for Parkinsonian-pyramidal syndrome. Last evaluated: 2024-01-31. Review status: criteria provided, single submitter. Criteria: Invitae Variant Classification Sherloc (09022015). Collection method: clinical testing. Allele origin: germline.
Comment: This sequence change creates a premature translational stop signal (p.Leu250Hisfs*20) in the FBXO7 gene. It is expected to result in an absent or disrupted protein product. Loss-of-function variants in FBXO7 are known to be pathogenic (PMID: 21347293). This variant is not present in population databases (gnomAD no frequency). This variant has not been reported in the literature in individuals affected with FBXO7-related conditions. For these reasons, this variant has been classified as Pathogenic.

Literature cited by the submitters: PubMed 21347293.

NM_012179.4(FBXO7):c.749_750del (p.Leu250fs)

Gene: FBXO7 (F-box protein 7; plus strand). Cytogenetic location: 22q12.3.
Variant type: Microsatellite.
Coding change: c.749_750del on transcript NM_012179.4 (MANE Select); coding-DNA positions 749 to 750, 2 bases deleted (TC; older notation c.749_750delTC).
Protein change: p.Leu250fs; shifts the reading frame from leucine 250.
Molecular consequence: frameshift variant.
Genome position (GRCh38, 1-based): chr22:32,485,171-32,485,172, TC deleted; deleting any 2 consecutive bases within chr22:32,485,168-32,485,172 gives the same sequence; the c. name uses the placement nearest the transcript's 3' end. VCF-style (leftmost placement, unchanged base first): chr22-32485167-ACT-A. GRCh37 (hg19) VCF-style: chr22-32881154-ACT-A.
Other names: c.512_513del, p.Leu171fs (NM_001033024.2); c.407_408del, p.Leu136fs (NM_001257990.2); short protein forms L136fs, L250fs, L171fs.
Identifiers: ClinVar variation 3637878 (VCV003637878.2).
Genomic context (GRCh38, chr22:32,485,167, plus strand): 5'-AAGTTGAGCGGGGTGTATAAGCTGCAGTACATGCATCCTCTCTGCGAGGGCAGCTCCGCT[ACT>A]CTCACCTGTGTGCCTTTGGGAAACCTGATTGTTGTAAATGGTAATTGGATAGCATAGTCA-3'